The following is an entry in ClinVar:

GRCh37/hg19 Xp22.33-22.31(chrX:168547-8165052)x3

Genes: ARSD (arylsulfatase D; minus strand), ARSD-AS1 (ARSD antisense RNA 1; plus strand), ARSF (arylsulfatase F; plus strand), ARSH (arylsulfatase family member H; plus strand), ARSL (arylsulfatase L; minus strand) and 11 more. Cytogenetic location: Xp22.33-22.31.
Variant type: copy number gain.
Change: copy number 3 of chrX:168,547-8,165,052 (8.00 Mb, GRCh37 coordinates, 1-based), cytogenetic band Xp22.33-22.31.
Identifiers: ClinVar variation 4683015 (VCV004683015.1).

ClinVar aggregate classification (germline): Likely pathogenic (1 of 4 stars; one submission).

Submission:

Quest Diagnostics Nichols Institute San Juan Capistrano
Classification: Likely pathogenic. Last evaluated: 2025-06-20. Review status: criteria provided, single submitter. Criteria: ACMG/ClinGen CNV Guidelines, 2019. Collection method: clinical testing. Allele origin: unknown.
Comment: This duplication involves at least 30 protein-coding genes, including SHOX (OMIM 312865). Heterozygous duplications involving SHOX have been associated with a variety of phenotypes (AlAyadhi 2016, Alvarez-Mora 2016, Tropeano 2016, Sadler 2020, Benito-Sanz 2011, Duyvenvoorde 2014, Parra 2024, Thomas 2009). While significantly enriched in affected individuals, duplications of the SHOX locus have also been seen in controls and inherited from apparently unaffected parents. Additionally, duplications contained within this interval have been identified in individuals with various congenital and neurodevelopmental abnormalities (Alhousseini 2019, Pontecorvi 2021, splin 2014, Hu 2023). There are no similar copy number gains of this region in the general populations of the Database of Genomic Variants. Thus, this copy number variant (CNV) is classified as likely pathogenic; however, clinical presentation in a female is likely dependent upon X-inactivation status. References: AlAyadhi et al., Neuroscience. 2016 Dec 17;339:561-570. PMID: 27771533 Alhousseini et al., Gynecol Obstet Invest. 2019;84(4):412-416. PMID: 30965333 Alvarez-Mora et al., Mutat Res. 2016 Feb-Mar:784-785:46-52. PMID: 26845707 Benito-Sanz et al., J Clin Endocrinol Metab. 2011 Feb;96(2):E404-12. PMID: 21147883 Duyvenvoorde et al., Eur J Hum Genet. 2014 May;22(5):602-9. PMID: 24065112 Esplin et al., Am J Med Genet A. 2014 Aug;164(8):2097-103. PMID: 24800990 Parra et al., Clin Genet. 2024 Nov;106(5):614-624. PMID: 39091142 Pontecorvi et al., Sci Rep. 2021 Jan 11;11(1):448. PMID: 33432050 Sadler et al., J Med Genet. 2020 Dec;57(12):851-857. PMID: 32518174 Thomas et al., Am J Med Genet A. 2009 Jul;149A(7):1407-14. PMID: 19533800 Tropeano et al., J Med Genet. 2016 Aug;53(8):536-47. PMID: 27073233